The following is an entry in ClinVar:

ClinVar aggregate classification (germline): Pathogenic (1 of 4 stars; one submission).

Conditions:
Spastic paraplegia. Identifiers: MedGen C0037772, HP:0001258.

Submission:

Labcorp Genetics (formerly Invitae), Labcorp
Classification: Pathogenic for Spastic paraplegia. Last evaluated: 2023-02-24. Review status: criteria provided, single submitter. Criteria: Invitae Variant Classification Sherloc (09022015). Collection method: clinical testing. Allele origin: germline.
Comment: This sequence change creates a premature translational stop signal (p.Lys472*) in the ZFYVE26 gene. It is expected to result in an absent or disrupted protein product. Loss-of-function variants in ZFYVE26 are known to be pathogenic (PMID: 18394578, 19805727). For these reasons, this variant has been classified as Pathogenic. This variant has not been reported in the literature in individuals affected with ZFYVE26-related conditions. This variant is not present in population databases (gnomAD no frequency).

Literature cited by the submitters: PubMed 18394578; PubMed 19805727.

NM_015346.4(ZFYVE26):c.1414A>T (p.Lys472Ter)

Gene: ZFYVE26 (zinc finger FYVE-type containing 26; minus strand). Cytogenetic location: 14q24.1.
Variant type: single nucleotide variant.
Coding change: c.1414A>T on transcript NM_015346.4 (MANE Select); coding-DNA position 1414, A replaced by T.
Protein change: p.Lys472Ter; replaces lysine 472 with a stop codon.
Molecular consequence: nonsense.
Genome position (GRCh38, 1-based): chr14:67,804,122, T>A on the plus strand (A>T on the coding strand, the complement: ZFYVE26 is on the minus strand). VCF-style: chr14-67804122-T-A. GRCh37 (hg19) VCF-style: chr14-68270839-T-A.
Other names: short protein forms K472*.
Identifiers: ClinVar variation 2840104 (VCV002840104.3), dbSNP rs963544121, ClinGen allele CA390176698.